The following is an entry in ClinVar:

ClinVar aggregate classification (germline): Uncertain significance (1 of 4 stars; one submission).

Allele frequency attached by ClinVar (database versions not stated): gnomAD exomes below 0.00001.
gnomAD v4.1: 4 of 1,614,090 alleles (0.00025%); highest among the groups gnomAD compares: Non-Finnish European, 0.00034%; no homozygotes.

Submission:

CeGaT Center for Human Genetics Tuebingen
Classification: Uncertain significance. Last evaluated: 2023-11-01. Review status: criteria provided, single submitter. Criteria: CeGaT Center For Human Genetics Tuebingen Variant Classification Criteria Version 2. Collection method: clinical testing. Allele origin: germline. Affected: yes. Observed: 1 variant allele.
Comment: MED13: PM2, PP3

NM_005121.3(MED13):c.3004C>T (p.Pro1002Ser)

Gene: MED13 (mediator complex subunit 13; minus strand). Cytogenetic location: 17q23.2.
Variant type: single nucleotide variant.
Coding change: c.3004C>T on transcript NM_005121.3 (MANE Select); coding-DNA position 3004, C replaced by T.
Protein change: p.Pro1002Ser; replaces proline 1002 with serine.
Molecular consequence: missense variant.
Genome position (GRCh38, 1-based): chr17:61,982,999, G>A on the plus strand (C>T on the coding strand, the complement: MED13 is on the minus strand). VCF-style: chr17-61982999-G-A. GRCh37 (hg19) VCF-style: chr17-60060360-G-A.
Other names: short protein forms P1002S.
Identifiers: ClinVar variation 2672705 (VCV002672705.23), dbSNP rs2509278032, ClinGen allele CA400505824.